The following continues an entry in ClinVar:

NM_020529.3(NFKBIA):c.548-3C>T

Gene: NFKBIA. ClinVar aggregate classification (germline): Benign/Likely benign. Benign (3); Likely benign (3).

Submissions 31 to 57 of 57:

Dr. Peter K. Rogan Lab, Western University
No classification provided (evidence only). Condition: Cervical cancer. Review status: no classification provided. Collection method: in vitro. Allele origin: not applicable. Functional consequence: retained intron. Not counted in ClinVar's aggregate classification.

Dr. Peter K. Rogan Lab, Western University
No classification provided (evidence only). Condition: Cervical cancer. Review status: no classification provided. Collection method: in vitro. Allele origin: not applicable. Functional consequence: retained intron. Not counted in ClinVar's aggregate classification.

Dr. Peter K. Rogan Lab, Western University
No classification provided (evidence only). Condition: Cervical cancer. Review status: no classification provided. Collection method: in vitro. Allele origin: not applicable. Functional consequence: skipped exon, retained intron. Not counted in ClinVar's aggregate classification.

Dr. Peter K. Rogan Lab, Western University
No classification provided (evidence only). Condition: Sarcoma. Review status: no classification provided. Collection method: in vitro. Allele origin: not applicable. Functional consequence: retained intron. Not counted in ClinVar's aggregate classification.

Dr. Peter K. Rogan Lab, Western University
No classification provided (evidence only). Condition: Sarcoma. Review status: no classification provided. Collection method: in vitro. Allele origin: not applicable. Functional consequence: retained intron. Not counted in ClinVar's aggregate classification.

Dr. Peter K. Rogan Lab, Western University
No classification provided (evidence only). Condition: Sarcoma. Review status: no classification provided. Collection method: in vitro. Allele origin: not applicable. Functional consequence: skipped exon, retained intron. Not counted in ClinVar's aggregate classification.

Dr. Peter K. Rogan Lab, Western University
No classification provided (evidence only). Condition: Nonpapillary renal cell carcinoma. Review status: no classification provided. Collection method: in vitro. Allele origin: not applicable. Functional consequence: retained intron. Not counted in ClinVar's aggregate classification.

Dr. Peter K. Rogan Lab, Western University
No classification provided (evidence only). Condition: Ovarian serous cystadenocarcinoma. Review status: no classification provided. Collection method: in vitro. Allele origin: not applicable. Functional consequence: retained intron. Not counted in ClinVar's aggregate classification.

Dr. Peter K. Rogan Lab, Western University
No classification provided (evidence only). Condition: Ovarian serous cystadenocarcinoma. Review status: no classification provided. Collection method: in vitro. Allele origin: not applicable. Functional consequence: retained intron. Not counted in ClinVar's aggregate classification.

Dr. Peter K. Rogan Lab, Western University
No classification provided (evidence only). Condition: Ovarian serous cystadenocarcinoma. Review status: no classification provided. Collection method: in vitro. Allele origin: not applicable. Functional consequence: retained intron. Not counted in ClinVar's aggregate classification.

Dr. Peter K. Rogan Lab, Western University
No classification provided (evidence only). Condition: Ovarian serous cystadenocarcinoma. Review status: no classification provided. Collection method: in vitro. Allele origin: not applicable. Functional consequence: retained intron. Not counted in ClinVar's aggregate classification.

Dr. Peter K. Rogan Lab, Western University
No classification provided (evidence only). Condition: Ovarian serous cystadenocarcinoma. Review status: no classification provided. Collection method: in vitro. Allele origin: not applicable. Functional consequence: retained intron. Not counted in ClinVar's aggregate classification.

Dr. Peter K. Rogan Lab, Western University
No classification provided (evidence only). Condition: Ovarian serous cystadenocarcinoma. Review status: no classification provided. Collection method: in vitro. Allele origin: not applicable. Functional consequence: retained intron. Not counted in ClinVar's aggregate classification.

Dr. Peter K. Rogan Lab, Western University
No classification provided (evidence only). Condition: Gastric cancer. Review status: no classification provided. Collection method: in vitro. Allele origin: not applicable. Functional consequence: retained intron. Not counted in ClinVar's aggregate classification.

Dr. Peter K. Rogan Lab, Western University
No classification provided (evidence only). Condition: Gastric cancer. Review status: no classification provided. Collection method: in vitro. Allele origin: not applicable. Functional consequence: retained intron. Not counted in ClinVar's aggregate classification.

Dr. Peter K. Rogan Lab, Western University
No classification provided (evidence only). Condition: Gastric cancer. Review status: no classification provided. Collection method: in vitro. Allele origin: not applicable. Functional consequence: retained intron. Not counted in ClinVar's aggregate classification.

Dr. Peter K. Rogan Lab, Western University
No classification provided (evidence only). Condition: Gastric cancer. Review status: no classification provided. Collection method: in vitro. Allele origin: not applicable. Functional consequence: retained intron. Not counted in ClinVar's aggregate classification.

Dr. Peter K. Rogan Lab, Western University
No classification provided (evidence only). Condition: Gastric cancer. Review status: no classification provided. Collection method: in vitro. Allele origin: not applicable. Functional consequence: retained intron. Not counted in ClinVar's aggregate classification.

Dr. Peter K. Rogan Lab, Western University
No classification provided (evidence only). Condition: Gastric cancer. Review status: no classification provided. Collection method: in vitro. Allele origin: not applicable. Functional consequence: retained intron. Not counted in ClinVar's aggregate classification.

Dr. Peter K. Rogan Lab, Western University
No classification provided (evidence only). Condition: Gastric cancer. Review status: no classification provided. Collection method: in vitro. Allele origin: not applicable. Functional consequence: retained intron. Not counted in ClinVar's aggregate classification.

Dr. Peter K. Rogan Lab, Western University
No classification provided (evidence only). Condition: Gastric cancer. Review status: no classification provided. Collection method: in vitro. Allele origin: not applicable. Functional consequence: retained intron. Not counted in ClinVar's aggregate classification.

Dr. Peter K. Rogan Lab, Western University
No classification provided (evidence only). Condition: Gastric cancer. Review status: no classification provided. Collection method: in vitro. Allele origin: not applicable. Functional consequence: retained intron. Not counted in ClinVar's aggregate classification.

Dr. Peter K. Rogan Lab, Western University
No classification provided (evidence only). Condition: Gastric cancer. Review status: no classification provided. Collection method: in vitro. Allele origin: not applicable. Functional consequence: retained intron. Not counted in ClinVar's aggregate classification.

Dr. Peter K. Rogan Lab, Western University
No classification provided (evidence only). Condition: Adrenocortical carcinoma, hereditary. Review status: no classification provided. Collection method: in vitro. Allele origin: not applicable. Functional consequence: retained intron. Not counted in ClinVar's aggregate classification.

Dr. Peter K. Rogan Lab, Western University
No classification provided (evidence only). Condition: Uterine carcinosarcoma. Review status: no classification provided. Collection method: in vitro. Allele origin: not applicable. Functional consequence: retained intron. Not counted in ClinVar's aggregate classification.

Dr. Peter K. Rogan Lab, Western University
No classification provided (evidence only). Condition: Malignant tumor of esophagus. Review status: no classification provided. Collection method: in vitro. Allele origin: not applicable. Functional consequence: retained intron. Not counted in ClinVar's aggregate classification.

Dr. Peter K. Rogan Lab, Western University
No classification provided (evidence only). Condition: Malignant tumor of esophagus. Review status: no classification provided. Collection method: in vitro. Allele origin: not applicable. Functional consequence: retained intron. Not counted in ClinVar's aggregate classification.